The following is an entry in ClinVar:

ClinVar aggregate classification (germline): Uncertain significance (1 of 4 stars; one submission).

Submission:

Labcorp Genetics (formerly Invitae), Labcorp
Classification: Uncertain significance. Last evaluated: 2022-06-07. Review status: criteria provided, single submitter. Criteria: Invitae Variant Classification Sherloc (09022015). Collection method: clinical testing. Allele origin: germline.
Comment: This sequence change replaces isoleucine, which is neutral and non-polar, with asparagine, which is neutral and polar, at codon 820 of the BRD4 protein (p.Ile820Asn). This variant is not present in population databases (gnomAD no frequency). This variant has not been reported in the literature in individuals affected with BRD4-related conditions. Algorithms developed to predict the effect of missense changes on protein structure and function are either unavailable or do not agree on the potential impact of this missense change (SIFT: "Deleterious"; PolyPhen-2: "Benign"; Align-GVGD: "Class C65"). In summary, the available evidence is currently insufficient to determine the role of this variant in disease. Therefore, it has been classified as a Variant of Uncertain Significance.

NM_001379291.1(BRD4):c.2459T>A (p.Ile820Asn)

Gene: BRD4 (bromodomain containing 4; minus strand). Cytogenetic location: 19p13.12.
Variant type: single nucleotide variant.
Coding change: c.2459T>A on transcript NM_001379291.1 (MANE Select); coding-DNA position 2459, T replaced by A.
Protein change: p.Ile820Asn; replaces isoleucine 820 with asparagine.
Molecular consequence: missense variant.
Genome position (GRCh38, 1-based): chr19:15,244,353, A>T on the plus strand (T>A on the coding strand, the complement: BRD4 is on the minus strand). VCF-style: chr19-15244353-A-T. GRCh37 (hg19) VCF-style: chr19-15355164-A-T.
Other names: c.2459T>A, p.Ile820Asn (NM_058243.3); short protein forms I820N.
Identifiers: ClinVar variation 2002707 (VCV002002707.4), dbSNP rs2512714871, ClinGen allele CA404507755.
Genomic context (GRCh38, chr19:15,244,353, plus strand): 5'-GGCAGGTGAGGGGGCAGCTCAGGCTGCGGCAGGTGCAGGATGGGCTGGGTGAAGTGGCCG[A>T]TGGGGTCAAAGACGCTGCCTGGGAGCTGGGGCTCCAGGACGGGCACCTGGGTGGCAATGA-3'
Protein context (NP_001366220.1, residues 810-830): PQLPGSVFDP[Ile820Asn]GHFTQPILHL